The following is an entry in ClinVar:

NM_015160.3(PMPCA):c.1254C>A (p.Thr418=)

Gene: PMPCA (peptidase, mitochondrial processing subunit alpha; plus strand). Cytogenetic location: 9q34.3.
Variant type: single nucleotide variant.
Coding change: c.1254C>A on transcript NM_015160.3 (MANE Select); coding-DNA position 1254, C replaced by A.
Protein change: p.Thr418=; no amino-acid change (threonine 418 retained).
Molecular consequence: synonymous variant.
Genome position (GRCh38, 1-based): chr9:136,419,097, C>A. VCF-style: chr9-136419097-C-A. GRCh37 (hg19) VCF-style: chr9-139313549-C-A.
Other names: c.861C>A, p.Thr287= (NM_001282944.2); c.954C>A, p.Thr318= (NM_001282946.2).
Identifiers: ClinVar variation 734008 (VCV000734008.14), dbSNP rs148017285, ClinGen allele CA5336378.

ClinVar aggregate classification (germline): Likely benign. Review status: criteria provided, multiple submitters, no conflicts (2 of 4 stars). 3 submissions from 3 submitters: Likely benign (3). Last evaluated 2025-12-01.

Allele frequency attached by ClinVar (database versions not stated): 1000 Genomes Project 30x 0.00016; 1000 Genomes Project 0.00020; ESP Exome Variant Server 0.00038; TOPMed 0.00038.
gnomAD v4.1: 251 of 1,613,390 alleles (0.016%); highest among the groups gnomAD compares: African/African-American, 0.099%; 1 homozygote.

Submissions (3):

CeGaT Center for Human Genetics Tuebingen
Classification: Likely benign. Last evaluated: 2025-12-01. Review status: criteria provided, single submitter. Criteria: CeGaT Center For Human Genetics Tuebingen Variant Classification Criteria Version 2. Collection method: clinical testing. Allele origin: germline. Affected: yes. Observed: 1 variant allele.
Comment: PMPCA: BP4, BP7

Labcorp Genetics (formerly Invitae), Labcorp
Classification: Likely benign. Last evaluated: 2025-10-03. Review status: criteria provided, single submitter. Criteria: Invitae Variant Classification Sherloc (09022015). Collection method: clinical testing. Allele origin: germline.

Blueprint Genetics
Classification: Likely benign. Last evaluated: 2023-10-31. Review status: criteria provided, single submitter. Criteria: ACMG Guidelines, 2015. Collection method: clinical testing. Allele origin: germline.